The following is an entry in ClinVar:

NM_000558.5(HBA1):c.93G>T (p.Glu31Asp)

Genes: HBA1 (hemoglobin subunit alpha 1; plus strand), LOC106804613 (hemoglobin subunit alpha 1 recombination region; plus strand). Cytogenetic location: 16p13.3.
Variant type: single nucleotide variant.
Coding change: c.93G>T on transcript NM_000558.5 (MANE Select); coding-DNA position 93, G replaced by T.
Protein change: p.Glu31Asp; replaces glutamic acid 31 with aspartic acid.
Molecular consequence: missense variant.
Genome position (GRCh38, 1-based): chr16:176,809, G>T. VCF-style: chr16-176809-G-T. GRCh37 (hg19) VCF-style: chr16-226808-G-T.
Other names: short protein forms E31D.
Identifiers: ClinVar variation 3572195 (VCV003572195.1).

ClinVar aggregate classification (germline): Uncertain significance (1 of 4 stars; one submission).

Submission:

Quest Diagnostics Nichols Institute San Juan Capistrano
Classification: Uncertain significance. Last evaluated: 2024-10-29. Review status: criteria provided, single submitter. Criteria: Quest Diagnostics criteria. Collection method: clinical testing. Allele origin: unknown.
Comment: The HBA1 c.93G>T (p.Glu31Asp) variant has not been reported in individuals with HBA1-related conditions in the published literature. It also has not been reported in large, multi-ethnic general populations (Genome Aggregation Database). Analysis of this variant using bioinformatics tools (i.e., MutationTaster and PolyPhen-2) for the prediction of the effect of amino acid changes on protein structure and function yielded conflicting predictions that this variant is deleterious or benign. Based on the available information, we are unable to determine the clinical significance of this variant.